The following is an entry in ClinVar:

ClinVar aggregate classification (germline): Uncertain significance. Review status: criteria provided, multiple submitters, no conflicts (2 of 4 stars). 3 submissions from 3 submitters: Uncertain significance (3). Last evaluated 2024-10-26.

Conditions:
Congenital adrenal hypoplasia, X-linked (AHC). Also called: Isolated X-Linked Adrenal Hypoplasia Congenita; X-linked AHC; X-Linked Adrenal Hypoplasia Congenita; ADRENAL HYPOPLASIA, CONGENITAL, WITH HYPOGONADOTROPIC HYPOGONADISM. Identifiers: Orphanet 95702, MedGen C0342482, MONDO:0010264, OMIM 300200. Disease mechanism: loss of function.
46,XY sex reversal 2. Also called: 46,XY SEX REVERSAL, DAX1-RELATED; 46XY sex reversal 2, dosage-sensitive; NR0B1-Related 46,XY CGD; NR0B1-related 46,XY complete gonadal dysgenesis; Dosage-sensitive sex reversal. Identifiers: MedGen C1848296, MONDO:0010226, OMIM 300018.
Inborn genetic diseases. Identifiers: MedGen C0950123, MeSH D030342.

Allele frequency attached by ClinVar (database versions not stated): ExAC 0.00003; gnomAD exomes below 0.00001; TOPMed 0.00001.

Submissions (3):

Labcorp Genetics (formerly Invitae), Labcorp
Classification: Uncertain significance for Congenital adrenal hypoplasia, X-linked; 46,XY sex reversal 2. Last evaluated: 2024-10-26. Review status: criteria provided, single submitter. Criteria: Invitae Variant Classification Sherloc (09022015). Collection method: clinical testing. Allele origin: germline.
Comment: This sequence change replaces proline, which is neutral and non-polar, with leucine, which is neutral and non-polar, at codon 188 of the NR0B1 protein (p.Pro188Leu). This variant is present in population databases (rs774979360, gnomAD 0.003%), including at least one homozygous and/or hemizygous individual. This variant has not been reported in the literature in individuals affected with NR0B1-related conditions. Invitae Evidence Modeling of protein sequence and biophysical properties (such as structural, functional, and spatial information, amino acid conservation, physicochemical variation, residue mobility, and thermodynamic stability) indicates that this missense variant is not expected to disrupt NR0B1 protein function with a negative predictive value of 80%. In summary, the available evidence is currently insufficient to determine the role of this variant in disease. Therefore, it has been classified as a Variant of Uncertain Significance.

Ambry Genetics
Classification: Uncertain significance for Inborn genetic diseases. Last evaluated: 2024-05-23. Review status: criteria provided, single submitter. Criteria: Ambry Variant Classification Scheme 2023. Collection method: clinical testing. Allele origin: germline.

Fulgent Genetics
Classification: Uncertain significance for 46,XY sex reversal 2; Congenital adrenal hypoplasia, X-linked. Last evaluated: 2024-05-06. Review status: criteria provided, single submitter. Criteria: ACMG Guidelines, 2015. Collection method: clinical testing. Allele origin: germline.

NM_000475.5(NR0B1):c.563C>T (p.Pro188Leu)

Gene: NR0B1 (nuclear receptor subfamily 0 group B member 1; minus strand). Cytogenetic location: Xp21.2.
Variant type: single nucleotide variant.
Coding change: c.563C>T on transcript NM_000475.5 (MANE Select); coding-DNA position 563, C replaced by T.
Protein change: p.Pro188Leu; replaces proline 188 with leucine.
Molecular consequence: missense variant.
Genome position (GRCh38, 1-based): chrX:30,308,801, G>A on the plus strand (C>T on the coding strand, the complement: NR0B1 is on the minus strand). VCF-style: chrX-30308801-G-A. GRCh37 (hg19) VCF-style: chrX-30326918-G-A.
Other names: c.563C>T (NM_000475.4); short protein forms P188L.
Identifiers: ClinVar variation 2954548 (VCV002954548.5), dbSNP rs774979360, ClinGen allele CA10376376.